The following is an entry in ClinVar:

NM_000053.4(ATP7B):c.3720T>C (p.Phe1240=)

Gene: ATP7B (ATPase copper transporting beta; minus strand). Cytogenetic location: 13q14.3.
Variant type: single nucleotide variant.
Coding change: c.3720T>C on transcript NM_000053.4 (MANE Select); coding-DNA position 3720, T replaced by C.
Protein change: p.Phe1240=; no amino-acid change (phenylalanine 1240 retained).
Molecular consequence: synonymous variant. On other transcripts: intron variant (1).
Genome position (GRCh38, 1-based): chr13:51,937,659, A>G on the plus strand (T>C on the coding strand, the complement: ATP7B is on the minus strand). VCF-style: chr13-51937659-A-G. GRCh37 (hg19) VCF-style: chr13-52511795-A-G.
Other names: c.3099T>C, p.Phe1033= (NM_001005918.3); c.3387T>C, p.Phe1129= (NM_001243182.2); c.3486T>C, p.Phe1162= (NM_001330578.2, NM_001406527.1, NM_001406528.1); c.3468T>C, p.Phe1156= (NM_001330579.2, NM_001406531.1, NM_001406532.1); c.3720T>C, p.Phe1240= (NM_001406511.1, NM_001406512.1); c.3714T>C, p.Phe1238= (NM_001406513.1); c.3687T>C, p.Phe1229= (NM_001406514.1); c.3666T>C, p.Phe1222= (NM_001406515.1, NM_001406516.1); and 21 more.
Identifiers: ClinVar variation 2914070 (VCV002914070.4), dbSNP rs369930314, ClinGen allele CA250073822.

ClinVar aggregate classification (germline): Likely benign. Review status: criteria provided, multiple submitters, no conflicts (2 of 4 stars). 2 submissions from 2 submitters: Likely benign (2). Last evaluated 2023-04-13.

Conditions:
Wilson disease (WND). Also called: Wilson's disease. Identifiers: Orphanet 905, MedGen C0019202, MONDO:0010200, OMIM 277900. Disease mechanism: loss of function.

Allele frequency attached by ClinVar (database versions not stated): TOPMed below 0.00001; gnomAD exomes 0.00001; ESP Exome Variant Server 0.00008.
gnomAD v4.1: 3 of 1,614,244 alleles (0.00019%); highest among the groups gnomAD compares: Non-Finnish European, 0.00025%; no homozygotes.

Submissions (2):

Labcorp Genetics (formerly Invitae), Labcorp
Classification: Likely benign for Wilson disease. Last evaluated: 2023-04-13. Review status: criteria provided, single submitter. Criteria: Invitae Variant Classification Sherloc (09022015). Collection method: clinical testing. Allele origin: germline.

All of Us Research Program, National Institutes of Health
Classification: Likely benign for Wilson disease. Last evaluated: 2023-03-23. Review status: criteria provided, single submitter. Criteria: ACMG Guidelines, 2015. Collection method: clinical testing. Allele origin: germline. Inheritance: Autosomal recessive inheritance. Observed: 1 variant allele, 1 heterozygote.
Comment: This study involves interpretation of variants in research participants for the purpose of population health screening. Participant phenotype was not available at the time of variant classification. Additional details can be found in publication PMID: 35346344, PMCID: PMC8962531